The following is an entry in ClinVar:

NM_000322.5(PRPH2):c.346G>T (p.Ala116Ser)

Gene: PRPH2 (peripherin 2; minus strand). Cytogenetic location: 6p21.1.
Variant type: single nucleotide variant.
Coding change: c.346G>T on transcript NM_000322.5 (MANE Select); coding-DNA position 346, G replaced by T.
Protein change: p.Ala116Ser; replaces alanine 116 with serine.
Molecular consequence: missense variant.
Genome position (GRCh38, 1-based): chr6:42,721,989, C>A on the plus strand (G>T on the coding strand, the complement: PRPH2 is on the minus strand). VCF-style: chr6-42721989-C-A. GRCh37 (hg19) VCF-style: chr6-42689727-C-A.
Other names: short protein forms A116S.
Identifiers: ClinVar variation 908040 (VCV000908040.8), dbSNP rs140227298, ClinGen allele CA3808632.

ClinVar aggregate classification (germline): Conflicting classifications of pathogenicity. Review status: criteria provided, conflicting classifications (1 of 4 stars). 10 submissions from 5 submitters: Uncertain significance (8); Benign (1). 1 of the submissions does not count toward it. Last evaluated 2026-03-23.

Conditions:
Retinitis pigmentosa 7 (RP7). Identifiers: Orphanet 791, MedGen C1842475, MONDO:0011974, OMIM 608133.
Choroidal dystrophy, central areolar 2 (CACD2). Also called: MACULAR DYSTROPHY, PROGRESSIVE; Choriodal Dystrophy, Central Areolar 2. Identifiers: Orphanet 75377, MedGen C2751290, MONDO:0013137, OMIM 613105.
PRPH2-related disorder. Also called: PRPH2-related condition; PRPH2-related disorders. Identifiers: MedGen CN239395.
Retinal dystrophy. Also called: Inherited retinal dystrophy. Identifiers: Orphanet 71862, MedGen C0854723, MeSH D058499, MONDO:0019118, HP:0000556.
Pigmentary retinal dystrophy. Also called: Fundus albipunctatus. Identifiers: Orphanet 227796, Orphanet 52427, MedGen C0311338, MONDO:0007639, OMIM 136880, HP:0030642.
Adult-onset foveomacular vitelliform dystrophy. Also called: Adult onset vitelliform dystrophy; FOVEOMACULAR DYSTROPHY, ADULT-ONSET, WITH OR WITHOUT CHOROIDAL NEOVASCULARIZATION; FOVEOMACULAR DYSTROPHY, ADULT-ONSET. Identifiers: Orphanet 99000, MedGen C1842914, MONDO:0011979.
Retinitis pigmentosa (RP). Identifiers: Orphanet 791, MedGen C0035334, MeSH D012174, MONDO:0019200, OMIM 268000. Inheritance: Autosomal dominant, autosomal recessive and X linked inheritance.
Patterned macular dystrophy 1. Also called: MACULAR DYSTROPHY, BUTTERFLY-SHAPED PIGMENTARY; BUTTERFLY DYSTROPHY OF RETINAL PIGMENT EPITHELIUM. Identifiers: Orphanet 99001, MedGen C4551999, MONDO:0008210, OMIM 169150.
Cone-rod dystrophy. Also called: Cone/cone-rod dystrophy; Cone-rod degeneration. Identifiers: Orphanet 1872, MedGen C4085590, MONDO:0015993, HP:0000548.

Allele frequency attached by ClinVar (database versions not stated): TOPMed below 0.00001; gnomAD 0.00001 and 0.00003; 1000 Genomes Project 30x 0.00031; 1000 Genomes Project 0.00040.
gnomAD v4.1: 156 of 1,614,110 alleles (0.0097%); highest among the groups gnomAD compares: East Asian, 0.35%; no homozygotes.

Submissions (10):

PreventionGenetics, part of Exact Sciences
Classification: Uncertain significance for PRPH2-related condition. Last evaluated: 2026-03-23. Review status: criteria provided, single submitter. Criteria: ACMG Guidelines, 2015. Collection method: clinical testing. Allele origin: germline.
Comment: The PRPH2 c.346G>T variant is predicted to result in the amino acid substitution p.Ala116Ser. This variant has been reported in individuals with inherited retinal disease (Arai et al. 2015. PubMed ID: 26161267; Table S2, Liu et al. 2020. PubMed ID: 33090715; Supplemental table 2, Peeters et al. 2021. PubMed ID: 34411390). This variant is reported in 0.015% of alleles in individuals of East Asian descent in gnomAD. Although we suspect that this variant may be pathogenic, at this time, the clinical significance of this variant is uncertain due to the absence of conclusive functional and genetic evidence.

Mendelics
Classification: Uncertain significance for Retinitis pigmentosa 7. Last evaluated: 2026-03-05. Review status: criteria provided, single submitter. Criteria: ACMG Guidelines, 2015. Collection method: clinical testing. Allele origin: unknown.
Comment: The available evidence is insufficient to conclusively determine the role of this variant. Therefore, it is classified as a Variant of Uncertain Significance.

Dept Of Ophthalmology, Nagoya University
Classification: Benign for Retinal dystrophy. Last evaluated: 2023-10-01. Review status: criteria provided, single submitter. Criteria: Submitter's publication. Collection method: research. Allele origin: germline. Affected: yes.

Illumina Laboratory Services, Illumina
Classification: Uncertain significance for Choroidal dystrophy, central areolar 2. Last evaluated: 2017-04-27. Review status: criteria provided, single submitter. Criteria: ICSL Variant Classification Criteria 13 December 2019. Collection method: clinical testing. Allele origin: germline.

Illumina Laboratory Services, Illumina
Classification: Uncertain significance for Patterned macular dystrophy 1. Last evaluated: 2017-04-27. Review status: criteria provided, single submitter. Criteria: ICSL Variant Classification Criteria 13 December 2019. Collection method: clinical testing. Allele origin: germline.

Illumina Laboratory Services, Illumina
Classification: Uncertain significance for Pigmentary retinal dystrophy. Last evaluated: 2017-04-27. Review status: criteria provided, single submitter. Criteria: ICSL Variant Classification Criteria 13 December 2019. Collection method: clinical testing. Allele origin: germline.

Illumina Laboratory Services, Illumina
Classification: Uncertain significance for Cone-rod dystrophy. Last evaluated: 2017-04-27. Review status: criteria provided, single submitter. Criteria: ICSL Variant Classification Criteria 13 December 2019. Collection method: clinical testing. Allele origin: germline.

Illumina Laboratory Services, Illumina
Classification: Uncertain significance for Retinitis pigmentosa. Last evaluated: 2017-04-27. Review status: criteria provided, single submitter. Criteria: ICSL Variant Classification Criteria 13 December 2019. Collection method: clinical testing. Allele origin: germline.

Illumina Laboratory Services, Illumina
Classification: Uncertain significance for Vitelliform macular dystrophy 3. Last evaluated: 2017-04-27. Review status: criteria provided, single submitter. Criteria: ICSL Variant Classification Criteria 13 December 2019. Collection method: clinical testing. Allele origin: germline.

Leiden Open Variation Database
Classification: Uncertain significance. Last evaluated: 2021-04-06. Review status: no assertion criteria provided. Collection method: curation. Allele origin: germline. Affected: yes. Not counted in ClinVar's aggregate classification.
Comment: Curator: Global Variome, with Curator vacancy. Submitters to LOVD: Manon Peeters, Yoshito Koyanagi.

Literature cited by the submitters: PubMed 26161267 (cited by Leiden Open Variation Database); PubMed 31213501 (cited by Leiden Open Variation Database).